The following is an entry in ClinVar:

ClinVar aggregate classification (germline): Uncertain significance (1 of 4 stars; one submission).

Allele frequency attached by ClinVar (database versions not stated): gnomAD exomes below 0.00001; ExAC 0.00001.
gnomAD v4.1: 1 of 1,612,494 alleles (0.000062%); no homozygotes.

Submission:

Labcorp Genetics (formerly Invitae), Labcorp
Classification: Uncertain significance. Last evaluated: 2022-10-14. Review status: criteria provided, single submitter. Criteria: Invitae Variant Classification Sherloc (09022015). Collection method: clinical testing. Allele origin: germline.
Comment: Variants that disrupt the consensus splice site are a relatively common cause of aberrant splicing (PMID: 17576681, 9536098). Algorithms developed to predict the effect of sequence changes on RNA splicing suggest that this variant is not likely to affect RNA splicing. ClinVar contains an entry for this variant (Variation ID: 1465508). This variant has not been reported in the literature in individuals affected with RIPK1-related conditions. In summary, the available evidence is currently insufficient to determine the role of this variant in disease. Therefore, it has been classified as a Variant of Uncertain Significance. This variant is present in population databases (rs775616467, gnomAD 0.004%). This sequence change falls in intron 4 of the RIPK1 gene. It does not directly change the encoded amino acid sequence of the RIPK1 protein. It affects a nucleotide within the consensus splice site.

Literature cited by the submitters: PubMed 17576681; PubMed 9536098.

NM_001354930.2(RIPK1):c.459+6C>T

Gene: RIPK1 (receptor interacting serine/threonine kinase 1; plus strand). Cytogenetic location: 6p25.2.
Variant type: single nucleotide variant.
Coding change: c.459+6C>T on transcript NM_001354930.2 (MANE Select); 6 bases into the intron after coding-DNA position 459, C replaced by T.
Molecular consequence: intron variant.
Genome position (GRCh38, 1-based): chr6:3,081,122, C>T. VCF-style: chr6-3081122-C-T. GRCh37 (hg19) VCF-style: chr6-3081356-C-T.
Other names: c.-145+6C>T (NM_001317061.3, NM_001354932.2, NM_001354934.2 and 1 more transcripts); c.459+6C>T (NM_003804.6); c.322-1963C>T (NM_001354931.2).
Identifiers: ClinVar variation 1465508 (VCV001465508.6), dbSNP rs775616467, ClinGen allele CA3618183.